The following is an entry in ClinVar:

NM_177398.4(LMX1A):c.747+5C>T

Genes: LMX1A (LIM homeobox transcription factor 1 alpha; minus strand), LMX1A-AS2 (LMX1A antisense RNA 2; plus strand). Cytogenetic location: 1q23.3.
Variant type: single nucleotide variant.
Coding change: c.747+5C>T on transcript NM_177398.4 (MANE Select); 5 bases into the intron after coding-DNA position 747, C replaced by T.
Molecular consequence: intron variant.
Genome position (GRCh38, 1-based): chr1:165,210,694, G>A on the plus strand (C>T on the coding strand, the complement: LMX1A is on the minus strand). VCF-style: chr1-165210694-G-A. GRCh37 (hg19) VCF-style: chr1-165179931-G-A.
Other names: c.747+5C>T (NM_001174069.1, NM_001174069.2).
Identifiers: ClinVar variation 3024964 (VCV003024964.24), dbSNP rs187240783, ClinGen allele CA1219724.

ClinVar aggregate classification (germline): Likely benign. Review status: criteria provided, multiple submitters, no conflicts (2 of 4 stars). 3 submissions from 3 submitters: Likely benign (2). 1 of the submissions does not count toward it. Last evaluated 2024-01-01.

Conditions:
LMX1A-related disorder. Also called: LMX1A-related condition.

Allele frequency attached by ClinVar (database versions not stated): ESP Exome Variant Server 0.00008; 1000 Genomes Project 0.00040; 1000 Genomes Project 30x 0.00047.
gnomAD v4.1: 130 of 1,609,046 alleles (0.0081%); highest among the groups gnomAD compares: Admixed American, 0.14%; no homozygotes.

Submissions (3):

CeGaT Center for Human Genetics Tuebingen
Classification: Likely benign. Last evaluated: 2024-01-01. Review status: criteria provided, single submitter. Criteria: CeGaT Center For Human Genetics Tuebingen Variant Classification Criteria Version 2. Collection method: clinical testing. Allele origin: germline. Affected: yes. Observed: 1 variant allele.
Comment: LMX1A: BP4

Blueprint Genetics
Classification: Likely benign. Last evaluated: 2023-05-29. Review status: criteria provided, single submitter. Criteria: ACMG Guidelines, 2015. Collection method: clinical testing. Allele origin: germline.

PreventionGenetics, part of Exact Sciences
Classification: Likely benign for LMX1A-related condition. Last evaluated: 2019-07-24. Review status: no assertion criteria provided. Collection method: clinical testing. Allele origin: germline. Not counted in ClinVar's aggregate classification.
Comment: This variant is classified as likely benign based on ACMG/AMP sequence variant interpretation guidelines (Richards et al. 2015 PMID: 25741868, with internal and published modifications).